The following is an entry in ClinVar:

ClinVar aggregate classification (germline): Benign. Review status: criteria provided, multiple submitters, no conflicts (2 of 4 stars). 2 submissions from 2 submitters: Benign (2). Last evaluated 2018-01-12.

Conditions:
Methylmalonic aciduria, cblB type (MACB). Also called: Vitamin B12-responsive methylmalonic acidemia type cblB; METHYLMALONIC ACIDURIA, VITAMIN B12-RESPONSIVE, DUE TO DEFECT IN SYNTHESIS OF ADENOSYLCOBALAMIN, cblB TYPE; Methylmalonic acidemia cblB type. Identifiers: Orphanet 28, Orphanet 79311, MedGen C1855102, MONDO:0009614, OMIM 251110.

Allele frequency attached by ClinVar (database versions not stated): gnomAD 0.02477 and 0.02307; 1000 Genomes Project 0.02496; gnomAD exomes 0.00285 and 0.00465; ExAC 0.00158; TOPMed 0.02629.
gnomAD v4.1: 4,373 of 454,064 alleles (0.96%); highest among the groups gnomAD compares: African/African-American, 7.8%; 145 homozygotes.

Submissions (2):

Illumina Laboratory Services, Illumina
Classification: Benign for Methylmalonic aciduria, cblB type. Last evaluated: 2018-01-12. Review status: criteria provided, single submitter. Criteria: ICSL Variant Classification Criteria 13 December 2019. Collection method: clinical testing. Allele origin: germline.
Comment: This variant was observed in the ICSL laboratory as part of a predisposition screen in an ostensibly healthy population. It had not been previously curated by ICSL or reported in the Human Gene Mutation Database (HGMD: prior to June 1st, 2018), and was therefore a candidate for classification through an automated scoring system. Utilizing variant allele frequency, disease prevalence and penetrance estimates, and inheritance mode, an automated score was calculated to assess if this variant is too frequent to cause the disease. Based on the score and internal cut-off values, a variant classified as benign is not then subjected to further curation. The score for this variant resulted in a classification of benign for this disease.

Breakthrough Genomics
Classification: Benign. Review status: criteria provided, single submitter. Criteria: ACMG Guidelines, 2015. Collection method: not provided. Allele origin: germline. Inheritance: Autosomal recessive inheritance. Affected: yes.

NM_052845.4(MMAB):c.*2628C>T

Gene: MMAB (metabolism of cobalamin associated B; minus strand). Cytogenetic location: 12q24.11.
Variant type: single nucleotide variant.
Coding change: c.*2628C>T on transcript NM_052845.4 (MANE Select); 2628 bases downstream of the stop codon, C replaced by T.
Molecular consequence: 3 prime UTR variant. On other transcripts: non-coding transcript variant (1).
Genome position (GRCh38, 1-based): chr12:109,554,400, G>A on the plus strand (C>T on the coding strand, the complement: MMAB is on the minus strand). VCF-style: chr12-109554400-G-A. GRCh37 (hg19) VCF-style: chr12-109992205-G-A.
Identifiers: ClinVar variation 307013 (VCV000307013.6), dbSNP rs73414074, ClinGen allele CA6778537.
Genomic context (GRCh38, chr12:109,554,400, plus strand): 5'-CCAGCTTGTCTCTGGAAATGACACTAAACACCCCATTCCAGGGAGCCTGACCTGGAGGCG[G>A]AGGAGGCATTTTCATGGGTGCAAAATGTAAGGAAGTGCCCACAAACTCAGGGATCGAGTA-3'